The following is an entry in ClinVar:

ClinVar aggregate classification (germline): Uncertain significance. Review status: criteria provided, multiple submitters, no conflicts (2 of 4 stars). 2 submissions from 2 submitters: Uncertain significance (2). Last evaluated 2024-11-18.

Conditions:
Developmental and epileptic encephalopathy, 1 (DEE1). Also called: X-linked infantile spasms; West's syndrome; Tonic spasms with clustering, arrest of psychomotor development and hypsarrhythmia on EEG; X-Linked Infantile Spasm Syndrome; Epileptic encephalopathy, early infantile, 1; OHTAHARA SYNDROME, X-LINKED. Identifiers: MedGen C3463992, MONDO:0010632, OMIM 308350. Disease mechanism: loss of function.
Intellectual disability, X-linked, with or without seizures, ARX-related. Also called: Mental retardation, X-linked 52; INTELLECTUAL DEVELOPMENTAL DISORDER, X-LINKED 29; MENTAL RETARDATION, X-LINKED 29; MENTAL RETARDATION, X-LINKED 32; MENTAL RETARDATION, X-LINKED 33; MENTAL RETARDATION, X-LINKED 38. Identifiers: Orphanet 777, MedGen C0796244, MONDO:0010317, OMIM 300419.

Submissions (2):

Labcorp Genetics (formerly Invitae), Labcorp
Classification: Uncertain significance for Developmental and epileptic encephalopathy, 1; Intellectual disability, X-linked, with or without seizures, ARX-related. Last evaluated: 2024-11-18. Review status: criteria provided, single submitter. Criteria: Invitae Variant Classification Sherloc (09022015). Collection method: clinical testing. Allele origin: germline.
Comment: This sequence change replaces glycine, which is neutral and non-polar, with arginine, which is basic and polar, at codon 123 of the ARX protein (p.Gly123Arg). The frequency data for this variant in the population databases is considered unreliable, as metrics indicate insufficient coverage at this position in the gnomAD database. This variant has not been reported in the literature in individuals affected with ARX-related conditions. ClinVar contains an entry for this variant (Variation ID: 2683584). Invitae Evidence Modeling of protein sequence and biophysical properties (such as structural, functional, and spatial information, amino acid conservation, physicochemical variation, residue mobility, and thermodynamic stability) indicates that this missense variant is not expected to disrupt ARX protein function with a negative predictive value of 95%. In summary, the available evidence is currently insufficient to determine the role of this variant in disease. Therefore, it has been classified as a Variant of Uncertain Significance.

Mayo Clinic Laboratories, Mayo Clinic
Classification: Uncertain significance. Last evaluated: 2022-12-01. Review status: criteria provided, single submitter. Criteria: ACMG Guidelines, 2015. Collection method: clinical testing. Allele origin: germline. Observed: 1 variant allele.
Comment: BP4, PM2

NM_139058.3(ARX):c.367G>A (p.Gly123Arg)

Genes: ARX (aristaless related homeobox; minus strand), LOC109610631 (aristaless related homeobox polyalanine expansion region; plus strand). Cytogenetic location: Xp21.3.
Variant type: single nucleotide variant.
Coding change: c.367G>A on transcript NM_139058.3 (MANE Select); coding-DNA position 367, G replaced by A.
Protein change: p.Gly123Arg; replaces glycine 123 with arginine.
Molecular consequence: missense variant.
Genome position (GRCh38, 1-based): chrX:25,013,628, C>T on the plus strand (G>A on the coding strand, the complement: ARX is on the minus strand). VCF-style: chrX-25013628-C-T. GRCh37 (hg19) VCF-style: chrX-25031745-C-T.
Other names: p.Gly123Arg; short protein forms G123R.
Identifiers: ClinVar variation 2683584 (VCV002683584.3), dbSNP rs1232132370, ClinGen allele CA412613327.
Genomic context (GRCh38, chrX:25,013,628, plus strand): 5'-CTGCGCCGTCCGGCCGTTCCCCGGGCCGCGCGGTTGGCGGTGGCGGCGGAGGGGCCTCCC[C>T]GCGTGGACCCGCCGTGGCCGTGGCGGCCGCTGCCGCCGCCGCCGCCGCCGCCGCCGCCGC-3'
Protein context (NP_620689.1, residues 113-133): AAATATAGPR[Gly123Arg]EAPPPPPPTA